The following is an entry in ClinVar:

ClinVar aggregate classification (germline): Uncertain significance (1 of 4 stars; one submission).

Conditions:
Neurofibromatosis, type 1 (NF1). Also called: Neurofibromatosis, type I; VON RECKLINGHAUSEN DISEASE; Peripheral type neurofibromatosis; NEUROFIBROMATOSIS, TYPE I, SOMATIC. Identifiers: Orphanet 636, MedGen C0027831, MONDO:0018975, OMIM 162200. Disease mechanism: loss of function.

Submission:

Labcorp Genetics (formerly Invitae), Labcorp
Classification: Uncertain significance for Neurofibromatosis, type 1. Last evaluated: 2019-12-15. Review status: criteria provided, single submitter. Criteria: Invitae Variant Classification Sherloc (09022015). Collection method: clinical testing. Allele origin: germline.
Comment: In summary, the available evidence is currently insufficient to determine the role of this variant in disease. Therefore, it has been classified as a Variant of Uncertain Significance. Nucleotide substitutions within the consensus splice site are a relatively common cause of aberrant splicing (PMID: 17576681, 9536098). Algorithms developed to predict the effect of sequence changes on RNA splicing suggest that this variant may create or strengthen a splice site, but this prediction has not been confirmed by published transcriptional studies. This variant has not been reported in the literature in individuals with NF1-related conditions. This variant is not present in population databases (ExAC no frequency). This sequence change falls in intron 18 of the NF1 gene. It does not directly change the encoded amino acid sequence of the NF1 protein, but it affects a nucleotide within the consensus splice site of the intron.

Literature cited by the submitters: PubMed 17576681; PubMed 9536098.

NM_001042492.3(NF1):c.2249_2251+4dup

Gene: NF1 (neurofibromin 1; plus strand). Cytogenetic location: 17q11.2.
Variant type: Duplication.
Coding change: c.2249_2251+4dup on transcript NM_001042492.3 (MANE Select); coding-DNA position 2249 through 4 bases into the intron after coding-DNA position 2251, 7 bases duplicated (CAGGTAA; older notation c.2249_2251+4dupCAGGTAA).
Molecular consequence: splice donor variant.
Genome position (GRCh38, 1-based): chr17:31,226,682-31,226,688, CAGGTAA duplicated; duplicating any 7 consecutive bases within chr17:31,226,680-31,226,688 gives the same sequence; the c. name uses the placement nearest the transcript's 3' end. VCF-style (leftmost placement, unchanged base first): chr17-31226679-C-CAACAGGT. GRCh37 (hg19) VCF-style: chr17-29553697-C-CAACAGGT.
Other names: c.2249_2251+4dup (NM_000267.4).
Identifiers: ClinVar variation 853676 (VCV000853676.8), dbSNP rs2067021029, ClinGen allele CA916080587.